The following is an entry in ClinVar:

NM_012108.4(STAP1):c.240G>T (p.Gln80His)

Genes: STAP1 (signal transducing adaptor family member 1; plus strand), LOC123477751 (Sharpr-MPRA regulatory region 12077; plus strand). Cytogenetic location: 4q13.2.
Variant type: single nucleotide variant.
Coding change: c.240G>T on transcript NM_012108.4 (MANE Select); coding-DNA position 240, G replaced by T.
Protein change: p.Gln80His; replaces glutamine 80 with histidine.
Molecular consequence: missense variant.
Genome position (GRCh38, 1-based): chr4:67,575,432, G>T. VCF-style: chr4-67575432-G-T. GRCh37 (hg19) VCF-style: chr4-68441150-G-T.
Other names: c.240G>T, p.Gln80His (NM_001317769.2); short protein forms Q80H.
Identifiers: ClinVar variation 3450260 (VCV003450260.1).

ClinVar aggregate classification (germline): Uncertain significance (1 of 4 stars; one submission).

Submission:

Ambry Genetics
Classification: Uncertain significance. Last evaluated: 2024-06-30. Review status: criteria provided, single submitter. Criteria: Ambry Variant Classification Scheme 2023. Collection method: clinical testing. Allele origin: germline.
Comment: The p.Q80H variant (also known as c.240G>T), located in coding exon 3 of the STAP1 gene, results from a G to T substitution at nucleotide position 240. The glutamine at codon 80 is replaced by histidine, an amino acid with highly similar properties. This amino acid position is conserved. In addition, this alteration is predicted to be tolerated by in silico analysis. Based on the available evidence, the clinical significance of this variant remains unclear.